The following is an entry in ClinVar:

ClinVar aggregate classification (germline): Uncertain significance. Review status: criteria provided, multiple submitters, no conflicts (2 of 4 stars). 2 submissions from 2 submitters: Uncertain significance (2). Last evaluated 2025-04-24.

Conditions:
Hereditary cancer-predisposing syndrome. Also called: Hereditary Cancer Syndrome; Tumor predisposition; Neoplastic Syndromes, Hereditary; Hereditary neoplastic syndrome. Identifiers: Orphanet 140162, MedGen C0027672, MeSH D009386, MONDO:0015356.

Allele frequency attached by ClinVar (database versions not stated): gnomAD exomes below 0.00001 and 0.00001; ExAC 0.00001.
gnomAD v4.1: 1 of 1,614,178 alleles (0.000062%); highest among the groups gnomAD compares: Admixed American, 0.0017%; no homozygotes.

Submissions (2):

Labcorp Genetics (formerly Invitae), Labcorp
Classification: Uncertain significance. Last evaluated: 2025-04-24. Review status: criteria provided, single submitter. Criteria: Invitae Variant Classification Sherloc (09022015). Collection method: clinical testing. Allele origin: germline.
Comment: This sequence change replaces alanine, which is neutral and non-polar, with valine, which is neutral and non-polar, at codon 939 of the POLE protein (p.Ala939Val). This variant is present in population databases (rs772307459, gnomAD 0.003%). This variant has not been reported in the literature in individuals affected with POLE-related conditions. ClinVar contains an entry for this variant (Variation ID: 864361). Invitae Evidence Modeling of protein sequence and biophysical properties (such as structural, functional, and spatial information, amino acid conservation, physicochemical variation, residue mobility, and thermodynamic stability) indicates that this missense variant is expected to disrupt POLE protein function with a positive predictive value of 80%. In summary, the available evidence is currently insufficient to determine the role of this variant in disease. Therefore, it has been classified as a Variant of Uncertain Significance.

Ambry Genetics
Classification: Uncertain significance for Hereditary cancer-predisposing syndrome. Last evaluated: 2024-12-13. Review status: criteria provided, single submitter. Criteria: Ambry Variant Classification Scheme 2023. Collection method: clinical testing. Allele origin: germline.
Comment: The p.A939V variant (also known as c.2816C>T), located in coding exon 24 of the POLE gene, results from a C to T substitution at nucleotide position 2816. The alanine at codon 939 is replaced by valine, an amino acid with similar properties. This amino acid position is highly conserved in available vertebrate species. In addition, the in silico prediction for this alteration is inconclusive. Based on the available evidence, the clinical significance of this variant remains unclear.

NM_006231.4(POLE):c.2816C>T (p.Ala939Val)

Gene: POLE (DNA polymerase epsilon, catalytic subunit; minus strand). Cytogenetic location: 12q24.33.
Variant type: single nucleotide variant.
Coding change: c.2816C>T on transcript NM_006231.4 (MANE Select); coding-DNA position 2816, C replaced by T.
Protein change: p.Ala939Val; replaces alanine 939 with valine.
Molecular consequence: missense variant.
Genome position (GRCh38, 1-based): chr12:132,661,575, G>A on the plus strand (C>T on the coding strand, the complement: POLE is on the minus strand). VCF-style: chr12-132661575-G-A. GRCh37 (hg19) VCF-style: chr12-133238161-G-A.
Other names: c.2816C>T (NM_006231.2); short protein forms A939V.
Identifiers: ClinVar variation 864361 (VCV000864361.10), dbSNP rs772307459, ClinGen allele CA6893442.
Genomic context (GRCh38, chr12:132,661,575, plus strand): 5'-TGAGAGTCCCACCTCTTCTTCAATTTCTTGCCTTCTTCCTTGGAGGCTGGAAGAATCATG[G>A]CAAGGTAGGGCCCATCAACCTCAAAAAAGATGCTGTTCTCTGAGCGGGTGACGTAGGTGA-3'
Protein context (NP_006222.2, residues 929-949): IFFEVDGPYL[Ala939Val]MILPASKEEG